The following is an entry in ClinVar:

ClinVar aggregate classification (germline): Conflicting classifications of pathogenicity. Review status: criteria provided, conflicting classifications (1 of 4 stars). 10 submissions from 10 submitters: Uncertain significance (9); Likely benign (1). Last evaluated 2025-11-25.

Conditions:
Hereditary cancer-predisposing syndrome. Also called: Neoplastic Syndromes, Hereditary; Tumor predisposition; Hereditary Cancer Syndrome; Hereditary neoplastic syndrome. Identifiers: Orphanet 140162, MedGen C0027672, MeSH D009386, MONDO:0015356.
Familial adenomatous polyposis 2. Also called: Adenomas, multiple colorectal; COLORECTAL ADENOMATOUS POLYPOSIS, AUTOSOMAL RECESSIVE; ADENOMAS, MULTIPLE COLORECTAL, AUTOSOMAL RECESSIVE; MYH-associated polyposis; MUTYH Polyposis; FAP type 2. Identifiers: Orphanet 220460, Orphanet 247798, MedGen C3272841, MONDO:0012041, OMIM 608456.

Allele frequency attached by ClinVar (database versions not stated): TOPMed 0.00002; gnomAD 0.00010.
gnomAD v4.1: 30 of 1,614,008 alleles (0.0019%); highest among the groups gnomAD compares: Non-Finnish European, 0.0025%; no homozygotes.

Submissions (10):

Labcorp Genetics (formerly Invitae), Labcorp
Classification: Uncertain significance for Familial adenomatous polyposis 2. Last evaluated: 2025-11-25. Review status: criteria provided, single submitter. Criteria: Invitae Variant Classification Sherloc (09022015). Collection method: clinical testing. Allele origin: germline.
Comment: This sequence change replaces valine, which is neutral and non-polar, with leucine, which is neutral and non-polar, at codon 242 of the MUTYH protein (p.Val242Leu). This variant is present in population databases (rs769766446, gnomAD 0.006%). This missense change has been observed in individual(s) with Lynch syndrome (PMID: 25980754). ClinVar contains an entry for this variant (Variation ID: 185462). An algorithm developed to predict the effect of missense changes on protein structure and function (PolyPhen-2) suggests that this variant is likely to be disruptive. In summary, the available evidence is currently insufficient to determine the role of this variant in disease. Therefore, it has been classified as a Variant of Uncertain Significance.

Ambry Genetics
Classification: Likely benign for Hereditary cancer-predisposing syndrome. Last evaluated: 2025-09-16. Review status: criteria provided, single submitter. Criteria: Ambry Variant Classification Scheme 2023. Collection method: clinical testing. Allele origin: germline.

Color Diagnostics, LLC DBA Color Health
Classification: Uncertain significance for Hereditary cancer-predisposing syndrome. Last evaluated: 2025-07-22. Review status: criteria provided, single submitter. Criteria: ACMG Guidelines, 2015. Collection method: clinical testing. Allele origin: germline.
Comment: This missense variant replaces valine with leucine at codon 242 of the MUTYH protein. Computational prediction suggests that this variant may have deleterious impact on protein structure and function. To our knowledge, functional studies have not been reported for this variant. This variant has been reported in an individual affected with suspected Lynch syndrome (PMID 25980754). In a meta-analysis, this variant was reported in 6/60466 breast cancer cases and 2/53461 controls (PMID: 33471991). This variant has been identified in 8/281824 chromosomes in the general population by the Genome Aggregation Database (gnomAD). The available evidence is insufficient to determine the role of this variant in disease conclusively. Therefore, this variant is classified as a Variant of Uncertain Significance.

All of Us Research Program, National Institutes of Health
Classification: Uncertain significance for Familial adenomatous polyposis 2. Last evaluated: 2024-05-09. Review status: criteria provided, single submitter. Criteria: ACMG Guidelines, 2015. Collection method: clinical testing. Allele origin: germline. Inheritance: Autosomal recessive inheritance. Observed: 5 variant alleles, 5 heterozygotes.
Comment: This missense variant replaces valine with leucine at codon 242 of the MUTYH protein. Computational prediction suggests that this variant may have deleterious impact on protein structure and function (internally defined REVEL score threshold >= 0.7, PMID: 27666373). To our knowledge, functional studies have not been reported for this variant. This variant has been reported in an individual affected with suspected Lynch syndrome (PMID 25980754). In a meta-analysis, this variant was reported in 6/60466 breast cancer cases and 2/53461 controls (PMID: 33471991). This variant has been identified in 8/281824 chromosomes in the general population by the Genome Aggregation Database (gnomAD). The available evidence is insufficient to determine the role of this variant in disease conclusively. Therefore, this variant is classified as a Variant of Uncertain Significance.

This study involves interpretation of variants in research participants for the purpose of population health screening. Participant phenotype was not available at the time of variant classification. Additional details can be found in publication PMID: 35346344, PMCID: PMC8962531

Quest Diagnostics Nichols Institute San Juan Capistrano
Classification: Uncertain significance. Last evaluated: 2024-05-08. Review status: criteria provided, single submitter. Criteria: Quest Diagnostics criteria. Collection method: clinical testing. Allele origin: unknown.
Comment: The MUTYH c.724G>T (p.Val242Leu) variant has been reported in the published literature in an individual with Lynch syndrome associated cancer and/or polyps (PMID: 25980754 (2015)). The frequency of this variant in the general population, 0.000047 (6/128546 chromosomes (Genome Aggregation Database)), is uninformative in the assessment of its pathogenicity. Analysis of this variant using bioinformatics tools for the prediction of the effect of amino acid changes on protein structure and function yielded conflicting predictions that this variant is deleterious or benign. Based on the available information, we are unable to determine the clinical significance of this variant.

Baylor Genetics
Classification: Uncertain significance for Familial adenomatous polyposis 2. Last evaluated: 2023-10-26. Review status: criteria provided, single submitter. Criteria: ACMG Guidelines, 2015. Collection method: clinical testing. Allele origin: unknown.

Women's Health and Genetics/Laboratory Corporation of America, LabCorp
Classification: Uncertain significance. Last evaluated: 2021-11-18. Review status: criteria provided, single submitter. Criteria: LabCorp Variant Classification Summary - May 2015. Collection method: clinical testing. Allele origin: germline.
Comment: Variant summary: MUTYH c.724G>T (p.Val242Leu) results in a conservative amino acid change located in the HhH-GPD domain (IPR003265) of the encoded protein sequence. Three of five in-silico tools predict a damaging effect of the variant on protein function. The variant allele was found at a frequency of 2e-05 in 250450 control chromosomes (gnomAD). The available data on variant occurrences in the general population are insufficient to allow any conclusion about variant significance. c.724G>T has been reported in the literature as a VUS in settings of multigene panel testing among individuals undergoing Lynch syndrome testing (example, Yurgelun_2015), affected with Breast Cancer and in unaffected controls (example, Dorling_2021). These reports do not provide unequivocal conclusions about association of the variant with MUTYH-Associated Polyposis. To our knowledge, no experimental evidence demonstrating an impact on protein function has been reported. Five clinical diagnostic laboratories have submitted clinical-significance assessments for this variant to ClinVar after 2014 and all laboratories classified the variant as uncertain significance. Based on the evidence outlined above, the variant was classified as uncertain significance.

Institute for Clinical Genetics, University Hospital TU Dresden, University Hospital TU Dresden
Classification: Uncertain significance. Last evaluated: 2021-11-03. Review status: criteria provided, single submitter. Criteria: ACMG Guidelines, 2015. Collection method: clinical testing. Allele origin: germline.

Sema4
Classification: Uncertain significance for Hereditary cancer-predisposing syndrome. Last evaluated: 2021-07-09. Review status: criteria provided, single submitter. Criteria: Sema4 Curation Guidelines. Collection method: curation. Allele origin: germline.
Comment: The MUTYH c.724G>T (p.V242L) variant has been reported in one individual with Lynch Syndrome associated cancer and/or colorectal polyps (PMID: 25980754) and in an individual from a control cohort (PMID: 30267214). This variant was observed in 6/128546 chromosomes in the Non-Finnish European population, according to the Genome Aggregation Database (PMID: 32461654). This variant has been reported in ClinVar (Variation ID: 185462). In silico tools suggest the impact of the variant on protein function is deleterious, though these predictions have not been confirmed by functional studies. The overall evidence is insufficient to meet ACMG/AMP criteria for classifying it as benign or pathogenic. In summary, the clinical significance of this variant is currently uncertain.

GeneDx
Classification: Uncertain significance. Last evaluated: 2018-08-28. Review status: criteria provided, single submitter. Criteria: GeneDx Variant Classification (06012015). Collection method: clinical testing. Allele origin: germline. Affected: yes.
Comment: This variant is denoted MUTYH c.724G>T at the cDNA level, p.Val242Leu (V242L) at the protein level, and results in the change of a Valine to a Leucine (GTG>TTG). MUTYH Val242Leu has been observed in at least one individual with Lynch syndrome-associated cancer and/or polyps (Yurgelun 2015). MUTYH Val242Leu was observed at an allele frequency of 0.01% (7/126198) in individuals of European ancestry in large population cohorts (Lek 2016). Since Valine and Leucine share similar properties, this is considered a conservative amino acid substitution. MUTYH Val242Leu is located in the MSH6 binding domain (Gu 2002, Ruggieri 2013). In-silico analyses, including protein predictors and evolutionary conservation, support a deleterious effect. Based on currently available evidence, it is unclear whether MUTYH Val242Leu is a pathogenic or benign variant. We consider it to be a variant of uncertain significance. Of note, MUTYH-Associated Polyposis (MAP) is a recessive condition associated with two pathogenic variants on opposite chromosomes in MUTYH.

Literature cited by the submitters: PubMed 25980754 (cited by 6 submitters); PubMed 30267214 (cited by 3 submitters); PubMed 33471991 (cited by 3 submitters); PubMed 31104418 (cited by Quest Diagnostics Nichols Institute San Juan Capistrano).

NM_001048174.2(MUTYH):c.640G>T (p.Val214Leu)

Gene: MUTYH (mutY DNA glycosylase; minus strand). Cytogenetic location: 1p34.1.
Variant type: single nucleotide variant.
Coding change: c.640G>T on transcript NM_001048174.2 (MANE Select); coding-DNA position 640, G replaced by T.
Protein change: p.Val214Leu; replaces valine 214 with leucine.
Molecular consequence: missense variant. On other transcripts: non-coding transcript variant (2).
Genome position (GRCh38, 1-based): chr1:45,332,455, C>A on the plus strand (G>T on the coding strand, the complement: MUTYH is on the minus strand). VCF-style: chr1-45332455-C-A. GRCh37 (hg19) VCF-style: chr1-45798127-C-A.
Other names: c.640G>T, p.Val214Leu (NM_001048171.2, NM_001048173.2, NM_001293195.2); c.643G>T, p.Val215Leu (NM_001048172.2); c.724G>T, p.Val242Leu (NM_001128425.2); c.685G>T, p.Val229Leu (NM_001293190.2); c.673G>T, p.Val225Leu (NM_001293191.2); c.364G>T, p.Val122Leu (NM_001293192.2, NM_001293196.2); c.295G>T, p.Val99Leu (NM_001350650.2, NM_001350651.2); c.715G>T, p.Val239Leu (NM_012222.3); short protein forms V242L, V214L, V215L, V229L, V99L, V122L, V239L, V225L.
Identifiers: ClinVar variation 185462 (VCV000185462.30), dbSNP rs769766446, ClinGen allele CA014205.
Genomic context (GRCh38, chr1:45,332,455, plus strand): 5'-GCTGCTGGGAAACAAGGGTGCTGCTGGGATCAGCACCAATGGCTCGGACACGGCACAGCA[C>A]CCGTGCTACGTTGCCATCCACCACACCGGTTGCCTGGCACAGAGGGGCCAAAGAGTTAGC-3'
Protein context (NP_001041639.1, residues 204-224): TGVVDGNVAR[Val214Leu]LCRVRAIGAD